The following is an entry in ClinVar:

NM_000369.5(TSHR):c.1825C>T (p.Arg609Ter)

Genes: TSHR-AS1 (TSHR antisense RNA 1; minus strand), TSHR (thyroid stimulating hormone receptor; plus strand). Cytogenetic location: 14q31.1.
Variant type: single nucleotide variant.
Coding change: c.1825C>T on transcript NM_000369.5 (MANE Select); coding-DNA position 1825, C replaced by T.
Protein change: p.Arg609Ter; replaces arginine 609 with a stop codon.
Molecular consequence: nonsense.
Genome position (GRCh38, 1-based): chr14:81,143,883, C>T. VCF-style: chr14-81143883-C-T. GRCh37 (hg19) VCF-style: chr14-81610227-C-T.
Other names: short protein forms R609*.
Identifiers: ClinVar variation 2736137 (VCV002736137.3), dbSNP rs763679435, ClinGen allele CA7294533.

ClinVar aggregate classification (germline): Pathogenic (1 of 4 stars; one submission).

Allele frequency attached by ClinVar (database versions not stated): ExAC 0.00001; gnomAD exomes 0.00001; gnomAD 0.00002.
gnomAD v4.1: 12 of 1,613,916 alleles (0.00074%); highest among the groups gnomAD compares: Admixed American, 0.0017%; no homozygotes.

Submission:

Labcorp Genetics (formerly Invitae), Labcorp
Classification: Pathogenic. Last evaluated: 2023-09-01. Review status: criteria provided, single submitter. Criteria: Invitae Variant Classification Sherloc (09022015). Collection method: clinical testing. Allele origin: germline.
Comment: This premature translational stop signal has been observed in individual(s) with TSHR-related conditions (PMID: 22876533). For these reasons, this variant has been classified as Pathogenic. This variant disrupts a region of the TSHR protein in which other variant(s) (p.Val711Phefs*18) have been determined to be pathogenic (PMID: 33108452). This suggests that this is a clinically significant region of the protein, and that variants that disrupt it are likely to be disease-causing. This variant is present in population databases (rs763679435, gnomAD 0.0008%). This sequence change creates a premature translational stop signal (p.Arg609*) in the TSHR gene. While this is not anticipated to result in nonsense mediated decay, it is expected to disrupt the last 156 amino acid(s) of the TSHR protein.

Literature cited by the submitters: PubMed 22876533; PubMed 33108452.